The following is an entry in ClinVar:

NM_152743.4(BRAT1):c.1061T>A (p.Leu354His)

Gene: BRAT1 (BRCA1 associated ATM activator 1; minus strand). Cytogenetic location: 7p22.3.
Variant type: single nucleotide variant.
Coding change: c.1061T>A on transcript NM_152743.4 (MANE Select); coding-DNA position 1061, T replaced by A.
Protein change: p.Leu354His; replaces leucine 354 with histidine.
Molecular consequence: missense variant. On other transcripts: non-coding transcript variant (1).
Genome position (GRCh38, 1-based): chr7:2,541,791, A>T on the plus strand (T>A on the coding strand, the complement: BRAT1 is on the minus strand). VCF-style: chr7-2541791-A-T. GRCh37 (hg19) VCF-style: chr7-2581425-A-T.
Other names: p.Leu354His; c.1061T>A, p.Leu354His (NM_001350626.2); c.536T>A, p.Leu179His (NM_001350627.2); short protein forms L354H, L179H.
Identifiers: ClinVar variation 645438 (VCV000645438.12), dbSNP rs999376070, ClinGen allele CA152667688.

ClinVar aggregate classification (germline): Uncertain significance. Review status: criteria provided, multiple submitters, no conflicts (2 of 4 stars). 5 submissions from 5 submitters: Uncertain significance (5). Last evaluated 2025-10-31.

Conditions:
Neonatal-onset encephalopathy with rigidity and seizures. Also called: Lethal neonatal spasticity-epileptic encephalopathy syndrome. Identifiers: Orphanet 435845, MedGen C3281029, MONDO:0013784, OMIM 614498.
Inborn genetic diseases. Identifiers: MedGen C0950123, MeSH D030342.

Allele frequency attached by ClinVar (database versions not stated): TOPMed 0.00004; gnomAD exomes 0.00001 and 0.00002; gnomAD 0.00006.

Submissions (5):

GeneDx
Classification: Uncertain significance. Last evaluated: 2025-10-31. Review status: criteria provided, single submitter. Criteria: GeneDx Variant Classification Process June 2021. Collection method: clinical testing. Allele origin: germline.
Comment: In silico analysis supports that this missense variant has a deleterious effect on protein structure/function; Has not been previously published as pathogenic or benign to our knowledge

Ambry Genetics
Classification: Uncertain significance for Inborn genetic diseases. Last evaluated: 2024-12-02. Review status: criteria provided, single submitter. Criteria: Ambry Variant Classification Scheme 2023. Collection method: clinical testing. Allele origin: germline.

Mayo Clinic Laboratories, Mayo Clinic
Classification: Uncertain significance. Last evaluated: 2024-04-05. Review status: criteria provided, single submitter. Criteria: ACMG Guidelines, 2015. Collection method: clinical testing. Allele origin: germline. Observed: 1 variant allele.
Comment: PM2

Labcorp Genetics (formerly Invitae), Labcorp
Classification: Uncertain significance for Neonatal-onset encephalopathy with rigidity and seizures. Last evaluated: 2022-11-01. Review status: criteria provided, single submitter. Criteria: Invitae Variant Classification Sherloc (09022015). Collection method: clinical testing. Allele origin: germline.
Comment: This sequence change replaces leucine, which is neutral and non-polar, with histidine, which is basic and polar, at codon 354 of the BRAT1 protein (p.Leu354His). This variant is present in population databases (no rsID available, gnomAD 0.009%). This variant has not been reported in the literature in individuals affected with BRAT1-related conditions. ClinVar contains an entry for this variant (Variation ID: 645438). Advanced modeling of protein sequence and biophysical properties (such as structural, functional, and spatial information, amino acid conservation, physicochemical variation, residue mobility, and thermodynamic stability) performed at Invitae indicates that this missense variant is not expected to disrupt BRAT1 protein function. In summary, the available evidence is currently insufficient to determine the role of this variant in disease. Therefore, it has been classified as a Variant of Uncertain Significance.

Breakthrough Genomics
Classification: Uncertain significance. Review status: criteria provided, single submitter. Criteria: ACMG Guidelines, 2015. Collection method: not provided. Allele origin: germline. Inheritance: Autosomal recessive inheritance. Affected: yes.